The following is an entry in ClinVar:

NM_001242896.3(DEPDC5):c.4291_4294del (p.Tyr1431fs)

Gene: DEPDC5 (DEP domain containing 5, GATOR1 subcomplex subunit; plus strand). Cytogenetic location: 22q12.3.
Variant type: Deletion.
Coding change: c.4291_4294del on transcript NM_001242896.3 (MANE Select); coding-DNA positions 4291 to 4294, 4 bases deleted (TATG; older notation c.4291_4294delTATG).
Protein change: p.Tyr1431fs; shifts the reading frame from tyrosine 1431.
Molecular consequence: frameshift variant. On other transcripts: non-coding transcript variant (5).
Genome position (GRCh38, 1-based): chr22:31,897,569-31,897,572, TATG deleted; deleting any 4 consecutive bases within chr22:31,897,567-31,897,572 gives the same sequence; the c. name uses the placement nearest the transcript's 3' end. VCF-style (leftmost placement, unchanged base first): chr22-31897566-CTGTA-C. GRCh37 (hg19) VCF-style: chr22-32293552-CTGTA-C.
Other names: c.4264_4267del, p.Tyr1422fs (NM_001136029.4); c.3991_3994del, p.Tyr1331fs (NM_001242897.2); c.4225_4228del, p.Tyr1409fs (NM_001363852.2, NM_001364320.2); c.4057_4060del, p.Tyr1353fs (NM_001363854.2, NM_001364319.2); c.4291_4294del, p.Tyr1431fs (NM_001364318.2); c.4207_4210del, p.Tyr1403fs (NM_001369901.1, NM_001369902.1); c.4198_4201del, p.Tyr1400fs (NM_001369903.1, NM_014662.6); short protein forms Y1331fs, Y1400fs, Y1409fs, Y1353fs, Y1403fs, Y1422fs, Y1431fs.
Identifiers: ClinVar variation 944440 (VCV000944440.9), dbSNP rs2093575654, ClinGen allele CA1139667085.

ClinVar aggregate classification (germline): Pathogenic (1 of 4 stars; one submission).

Conditions:
Familial focal epilepsy with variable foci (FPEVF). Identifiers: Orphanet 98820, MedGen C1858477, MONDO:0020310.

Submission:

Labcorp Genetics (formerly Invitae), Labcorp
Classification: Pathogenic for Familial focal epilepsy with variable foci. Last evaluated: 2019-06-20. Review status: criteria provided, single submitter. Criteria: Invitae Variant Classification Sherloc (09022015). Collection method: clinical testing. Allele origin: germline.
Comment: This sequence change results in a premature translational stop signal in the DEPDC5 gene (p.Tyr1431Alafs*142). While this is not anticipated to result in nonsense mediated decay, it is expected to disrupt the last 173 amino acids of the DEPDC5 protein. This variant is not present in population databases (ExAC no frequency). This variant has not been reported in the literature in individuals with DEPDC5-related conditions. This variant disrupts the C-terminus of the DEPDC5 protein. Other variant(s) that disrupt this region (p.Gln1536) have been determined to be pathogenic (PMID:25366275, 23542697). This suggests that variants that disrupt this region of the protein are likely to be causative of disease. For these reasons, this variant has been classified as Pathogenic.

Literature cited by the submitters: PubMed 25366275; PubMed 23542697.